The following is an entry in ClinVar:

NM_182493.3(MYLK3):c.1909C>G (p.Leu637Val)

Gene: MYLK3 (myosin light chain kinase 3; minus strand). Cytogenetic location: 16q11.2.
Variant type: single nucleotide variant.
Coding change: c.1909C>G on transcript NM_182493.3 (MANE Select); coding-DNA position 1909, C replaced by G.
Protein change: p.Leu637Val; replaces leucine 637 with valine.
Molecular consequence: missense variant.
Genome position (GRCh38, 1-based): chr16:46,727,241, G>C on the plus strand (C>G on the coding strand, the complement: MYLK3 is on the minus strand). VCF-style: chr16-46727241-G-C. GRCh37 (hg19) VCF-style: chr16-46761153-G-C.
Other names: c.886C>G, p.Leu296Val (NM_001308301.1); short protein forms L296V, L637V.
Identifiers: ClinVar variation 1954815 (VCV001954815.5), dbSNP rs1432256739, ClinGen allele CA395789585.
Genomic context (GRCh38, chr16:46,727,241, plus strand): 5'-ACGCCAGGAGCTAGGACACCAGGGGCCCCTACCGCATGCCCAGGGCAGAACCCACCTTGA[G>C]GTCCAGGTGCAGGATGTAGTGCTGGTGCAGGTAATGCACACCCTCACAGATCTGCCTGGT-3'
Protein context (NP_872299.2, residues 627-647): LHQHYILHLD[Leu637Val]KPENILCVNQ

ClinVar aggregate classification (germline): Uncertain significance (1 of 4 stars; one submission).

Submission:

Labcorp Genetics (formerly Invitae), Labcorp
Classification: Uncertain significance. Last evaluated: 2025-09-10. Review status: criteria provided, single submitter. Criteria: Invitae Variant Classification Sherloc (09022015). Collection method: clinical testing. Allele origin: germline.
Comment: This sequence change replaces leucine, which is neutral and non-polar, with valine, which is neutral and non-polar, at codon 637 of the MYLK3 protein (p.Leu637Val). This variant is not present in population databases (gnomAD no frequency). This missense change has been observed in individual(s) with dilated cardiomyopathy (internal data). ClinVar contains an entry for this variant (Variation ID: 1954815). An algorithm developed to predict the effect of missense changes on protein structure and function (PolyPhen-2) suggests that this variant is likely to be disruptive. In summary, the available evidence is currently insufficient to determine the role of this variant in disease. Therefore, it has been classified as a Variant of Uncertain Significance.